The following is an entry in ClinVar:

NM_014317.5(PDSS1):c.1055G>A (p.Arg352Gln)

Gene: PDSS1 (decaprenyl diphosphate synthase subunit 1; plus strand). Cytogenetic location: 10p12.1.
Variant type: single nucleotide variant.
Coding change: c.1055G>A on transcript NM_014317.5 (MANE Select); coding-DNA position 1055, G replaced by A.
Protein change: p.Arg352Gln; replaces arginine 352 with glutamine.
Molecular consequence: missense variant. On other transcripts: synonymous variant (1).
Genome position (GRCh38, 1-based): chr10:26,742,525, G>A. VCF-style: chr10-26742525-G-A. GRCh37 (hg19) VCF-style: chr10-27031454-G-A.
Other names: c.864G>A, p.Ala288= (NM_001321978.2); c.545G>A, p.Arg182Gln (NM_001321979.2); short protein forms R352Q, R182Q.
Identifiers: ClinVar variation 214976 (VCV000214976.13), dbSNP rs116148064, ClinGen allele CA322739.
Genomic context (GRCh38, chr10:26,742,525, plus strand): 5'-ATTTTCTCAGATTTTCTCTCTTTTTTTGTTAGTTCCCAGAAATGAATGCTATGATCATGC[G>A]ACGGTTCAGTTTGCCTGGAGATGTAGACAGAGCTCGACAGTATGTACTACAGGTAAGACT-3'
Protein context (NP_055132.2, residues 342-362): QFPEMNAMIM[Arg352Gln]RFSLPGDVDR

ClinVar aggregate classification (germline): Conflicting classifications of pathogenicity. Review status: criteria provided, conflicting classifications (1 of 4 stars). 4 submissions from 4 submitters: Uncertain significance (1); Benign (1); Likely benign (2). Last evaluated 2025-12-24.

Allele frequency attached by ClinVar (database versions not stated): gnomAD 0.00114 and 0.00120; TOPMed 0.00121; ESP Exome Variant Server 0.00123; 1000 Genomes Project 30x 0.00125; 1000 Genomes Project 0.00160; gnomAD exomes 0.00008 and 0.00032; ExAC 0.00039.
gnomAD v4.1: 300 of 1,612,292 alleles (0.019%); highest among the groups gnomAD compares: African/African-American, 0.34%; no homozygotes.

Submissions (4):

Labcorp Genetics (formerly Invitae), Labcorp
Classification: Likely benign. Last evaluated: 2025-12-24. Review status: criteria provided, single submitter. Criteria: Invitae Variant Classification Sherloc (09022015). Collection method: clinical testing. Allele origin: germline.

Blueprint Genetics
Classification: Benign. Last evaluated: 2024-10-21. Review status: criteria provided, single submitter. Criteria: ACMG Guidelines, 2015. Collection method: clinical testing. Allele origin: germline.

Genetic Services Laboratory, University of Chicago
Classification: Uncertain significance. Last evaluated: 2023-03-01. Review status: criteria provided, single submitter. Criteria: ACMG Guidelines, 2015. Collection method: clinical testing. Allele origin: germline. Affected: no.
Comment: DNA sequence analysis of the PDSS1 gene demonstrated a sequence change, c.1055G>A, in exon 11 that results in an amino acid change, p.Arg352Gln. This sequence change has been described in the gnomAD database with a frequency of 0.37% in the African/African American subpopulation (dbSNP rs116148064). The p.Arg352Gln change affects a highly conserved amino acid residue located in a domain of the PDSS1 protein that is known to be functional. The p.Arg352Gln substitution appears to be deleterious using several in-silico pathogenicity prediction tools (SIFT, PolyPhen2, Align GVGD, REVEL). This sequence change does not appear to have been previously described in individuals with PDSS1-related disorders. Due to insufficient evidence and the lack of functional studies, the clinical significance of the p.Arg352Gln change remains unknown at this time.

Breakthrough Genomics
Classification: Likely benign. Review status: criteria provided, single submitter. Criteria: ACMG Guidelines, 2015. Collection method: not provided. Allele origin: germline. Inheritance: Autosomal recessive inheritance. Affected: yes.